The following is an entry in ClinVar:

ClinVar aggregate classification (germline): Uncertain significance (1 of 4 stars; one submission).

gnomAD v4.1: 8 of 1,614,132 alleles (0.0005%); highest among the groups gnomAD compares: South Asian, 0.0088%; no homozygotes.

Submission:

GeneDx
Classification: Uncertain significance. Last evaluated: 2026-03-27. Review status: criteria provided, single submitter. Criteria: GeneDx Variant Classification Process June 2021. Collection method: clinical testing. Allele origin: germline.
Comment: Not observed at significant frequency in large population cohorts (gnomAD); In silico analysis supports that this missense variant has a deleterious effect on protein structure/function; Has not been previously published as pathogenic or benign to our knowledge; Does not affect a cysteine or calcium-binding residue within an EGF-like domain or a TGF-binding protein domain of the FBN1 gene; cysteine substitutions in the EGF-like domains represent the majority of pathogenic missense changes associated with FBN1-related disorders (PMID: 12938084); This variant is associated with the following publications: (PMID: 21175431, 7622614, 8281141, 12938084)

NM_000138.5(FBN1):c.5189A>C (p.Asn1730Thr)

Gene: FBN1 (fibrillin 1; minus strand). Cytogenetic location: 15q21.1.
Variant type: single nucleotide variant.
Coding change: c.5189A>C on transcript NM_000138.5 (MANE Select); coding-DNA position 5189, A replaced by C.
Protein change: p.Asn1730Thr; replaces asparagine 1730 with threonine.
Molecular consequence: missense variant.
Genome position (GRCh38, 1-based): chr15:48,463,117, T>G on the plus strand (A>C on the coding strand, the complement: FBN1 is on the minus strand). VCF-style: chr15-48463117-T-G. GRCh37 (hg19) VCF-style: chr15-48755314-T-G.
Other names: c.5189A>C, p.Asn1730Thr (NM_001406716.1); short protein forms N1730T.
Identifiers: ClinVar variation 5017051 (VCV005017051.1).
Genomic context (GRCh38, chr15:48,463,117, plus strand): 5'-TGATAATGGAGAAACTAAAACTCACCTGTACTTGGGATGGGACACTGTTCACAGGGCTTG[T>G]TCCACGCCCGGCCAATGTTGTAGGAACAGCAGCACATCTTCTTGGTCATGTTGAATAACA-3'
Protein context (NP_000129.3, residues 1720-1740): CCSYNIGRAW[Asn1730Thr]KPCEQCPIPS